The following is an entry in ClinVar:

ClinVar aggregate classification (germline): Uncertain significance (1 of 4 stars; one submission).

gnomAD v4.1: 1 of 1,613,680 alleles (0.000062%); highest among the groups gnomAD compares: African/African-American, 0.0013%; no homozygotes.

Submission:

GeneDx
Classification: Uncertain significance. Last evaluated: 2024-10-23. Review status: criteria provided, single submitter. Criteria: GeneDx Variant Classification Process June 2021. Collection method: clinical testing. Allele origin: germline. Affected: yes.
Comment: Not observed at significant frequency in large population cohorts (gnomAD); In silico analysis indicates that this missense variant does not alter protein structure/function; Has not been previously published as pathogenic or benign to our knowledge

NM_005422.4(TECTA):c.766C>T (p.Pro256Ser)

Genes: TBCEL-TECTA (TBCEL-TECTA readthrough; plus strand), TECTA (tectorin alpha; plus strand). Cytogenetic location: 11q23.3.
Variant type: single nucleotide variant.
Coding change: c.766C>T on transcript NM_005422.4 (MANE Select); coding-DNA position 766, C replaced by T.
Protein change: p.Pro256Ser; replaces proline 256 with serine.
Molecular consequence: missense variant.
Genome position (GRCh38, 1-based): chr11:121,113,694, C>T. VCF-style: chr11-121113694-C-T. GRCh37 (hg19) VCF-style: chr11-120984403-C-T.
Other names: c.1723C>T, p.Pro575Ser (NM_001378761.1); short protein forms P256S, P575S.
Identifiers: ClinVar variation 3893429 (VCV003893429.1).